The following is an entry in ClinVar:

NM_002156.5(HSPD1):c.183A>G (p.Thr61=)

Gene: HSPD1 (heat shock protein family D (Hsp60) member 1; minus strand). Cytogenetic location: 2q33.1.
Variant type: single nucleotide variant.
Coding change: c.183A>G on transcript NM_002156.5 (MANE Select); coding-DNA position 183, A replaced by G.
Protein change: p.Thr61=; no amino-acid change (threonine 61 retained).
Molecular consequence: synonymous variant.
Genome position (GRCh38, 1-based): chr2:197,497,384, T>C on the plus strand (A>G on the coding strand, the complement: HSPD1 is on the minus strand). VCF-style: chr2-197497384-T-C. GRCh37 (hg19) VCF-style: chr2-198362108-T-C.
Other names: c.183A>G, p.Thr61= (NM_199440.2).
Identifiers: ClinVar variation 2684232 (VCV002684232.1), dbSNP rs2470123142, ClinGen allele CA430561466.

ClinVar aggregate classification (germline): Uncertain significance (1 of 4 stars; one submission).

Submission:

Athena Diagnostics
Classification: Uncertain significance. Last evaluated: 2023-02-16. Review status: criteria provided, single submitter. Criteria: Athena Diagnostics Criteria. Collection method: clinical testing. Allele origin: unknown.
Comment: Available data are insufficient to determine the clinical significance of the variant at this time. This variant has not been reported in large, multi-ethnic general populations. Computational tools yielded predictions that this variant is unlikely to have an effect on normal RNA splicing.